The following is an entry in ClinVar:

NM_000719.7(CACNA1C):c.5506A>G (p.Thr1836Ala)

Genes: CACNA1C (calcium voltage-gated channel subunit alpha1 C; plus strand), CACNA1C-AS1 (CACNA1C antisense RNA 1; minus strand). Cytogenetic location: 12p13.33.
Variant type: single nucleotide variant.
Coding change: c.5506A>G on transcript NM_000719.7 (MANE Select); coding-DNA position 5506, A replaced by G.
Protein change: p.Thr1836Ala; replaces threonine 1836 with alanine.
Molecular consequence: missense variant.
Genome position (GRCh38, 1-based): chr12:2,682,611, A>G. VCF-style: chr12-2682611-A-G. GRCh37 (hg19) VCF-style: chr12-2791777-A-G.
Other names: c.5650A>G, p.Thr1884Ala (NM_001129827.2); c.5629A>G, p.Thr1877Ala (NM_001129829.2); c.5611A>G, p.Thr1871Ala (NM_001129830.3, NM_001167624.3); c.5590A>G, p.Thr1864Ala (NM_001129831.2); c.5566A>G, p.Thr1856Ala (NM_001129832.2); c.5563A>G, p.Thr1855Ala (NM_001129833.2, NM_001129834.2, NM_001129835.2); c.5557A>G, p.Thr1853Ala (NM_001129836.2); c.5530A>G, p.Thr1844Ala (NM_001129837.2, NM_001129838.2); and 6 more; short protein forms T1825A, T1833A, T1836A, T1842A, T1844A, T1853A, T1855A, T1856A.
Identifiers: ClinVar variation 4801134 (VCV004801134.1).

ClinVar aggregate classification (germline): Uncertain significance (1 of 4 stars; one submission).

Conditions:
Long QT syndrome (LQTS). Identifiers: MedGen C0023976, MeSH D008133, MONDO:0002442. Disease mechanism: loss of function. Inheritance: Various modes of inheritance.

Submission:

Labcorp Genetics (formerly Invitae), Labcorp
Classification: Uncertain significance for Long QT syndrome. Last evaluated: 2025-06-30. Review status: criteria provided, single submitter. Criteria: Invitae Variant Classification Sherloc (09022015). Collection method: clinical testing. Allele origin: germline.
Comment: This sequence change replaces threonine, which is neutral and polar, with alanine, which is neutral and non-polar, at codon 1836 of the CACNA1C protein (p.Thr1836Ala). This variant is not present in population databases (gnomAD no frequency). This variant has not been reported in the literature in individuals affected with CACNA1C-related conditions. Invitae Evidence Modeling of protein sequence and biophysical properties (such as structural, functional, and spatial information, amino acid conservation, physicochemical variation, residue mobility, and thermodynamic stability) indicates that this missense variant is not expected to disrupt CACNA1C protein function with a negative predictive value of 95%. In summary, the available evidence is currently insufficient to determine the role of this variant in disease. Therefore, it has been classified as a Variant of Uncertain Significance.